The following is an entry in ClinVar:

ClinVar aggregate classification (germline): Uncertain significance (1 of 4 stars; one submission).

Allele frequency attached by ClinVar (database versions not stated): 1000 Genomes Project 0.00020; 1000 Genomes Project 30x 0.00031; TOPMed below 0.00001.
gnomAD v4.1: 3 of 1,613,818 alleles (0.00019%); highest among the groups gnomAD compares: Admixed American, 0.0017%; no homozygotes.

Submission:

Labcorp Genetics (formerly Invitae), Labcorp
Classification: Uncertain significance. Last evaluated: 2026-01-23. Review status: criteria provided, single submitter. Criteria: Invitae Variant Classification Sherloc (09022015). Collection method: clinical testing. Allele origin: germline.
Comment: This sequence change replaces glutamine, which is neutral and polar, with histidine, which is basic and polar, at codon 3302 of the PCLO protein (p.Gln3302His). This variant is present in population databases (rs544371610, gnomAD 0.003%). This variant has not been reported in the literature in individuals affected with PCLO-related conditions. ClinVar contains an entry for this variant (Variation ID: 2786357). Experimental studies and prediction algorithms are not available or were not evaluated, and the functional significance of this variant is currently unknown. In summary, the available evidence is currently insufficient to determine the role of this variant in disease. Therefore, it has been classified as a Variant of Uncertain Significance.

NM_033026.6(PCLO):c.9906G>C (p.Gln3302His)

Gene: PCLO (piccolo presynaptic cytomatrix protein; minus strand). Cytogenetic location: 7q21.11.
Variant type: single nucleotide variant.
Coding change: c.9906G>C on transcript NM_033026.6 (MANE Select); coding-DNA position 9906, G replaced by C.
Protein change: p.Gln3302His; replaces glutamine 3302 with histidine.
Molecular consequence: missense variant.
Genome position (GRCh38, 1-based): chr7:82,950,682, C>G on the plus strand (G>C on the coding strand, the complement: PCLO is on the minus strand). VCF-style: chr7-82950682-C-G. GRCh37 (hg19) VCF-style: chr7-82579998-C-G.
Other names: c.9906G>C, p.Gln3302His (NM_014510.3); short protein forms Q3302H.
Identifiers: ClinVar variation 2786357 (VCV002786357.3), dbSNP rs544371610, ClinGen allele CA4319833.